The following is an entry in ClinVar:

ClinVar aggregate classification (germline): Uncertain significance. Review status: criteria provided, multiple submitters, no conflicts (2 of 4 stars). 2 submissions from 2 submitters: Uncertain significance (2). Last evaluated 2026-02-13.

Conditions:
Tumor predisposition syndrome 3 (TPDS3). Also called: Glioma susceptibility 9; LONG TELOMERE SYNDROME, POT1-RELATED; POT1 Tumor Predisposition; Melanoma, cutaneous malignant, susceptibility to, 10. Identifiers: Orphanet 618, MedGen C4014476, MONDO:0014368, OMIM 615848.
Hereditary cancer-predisposing syndrome. Also called: Tumor predisposition; Hereditary Cancer Syndrome; Hereditary neoplastic syndrome; Neoplastic Syndromes, Hereditary. Identifiers: Orphanet 140162, MedGen C0027672, MeSH D009386, MONDO:0015356.

Submissions (2):

Ambry Genetics
Classification: Uncertain significance for Hereditary cancer-predisposing syndrome. Last evaluated: 2026-02-13. Review status: criteria provided, single submitter. Criteria: Ambry Variant Classification Scheme 2023. Collection method: clinical testing. Allele origin: germline.
Comment: The c.255+5A>G intronic variant results from an A to G substitution 5 nucleotides after coding exon 3 in the POT1 gene. This nucleotide position is highly conserved in available vertebrate species. In silico splice site analysis predicts that this alteration will not have any significant effect on splicing. Based on the available evidence, the clinical significance of this variant remains unclear.

Labcorp Genetics (formerly Invitae), Labcorp
Classification: Uncertain significance for Tumor predisposition syndrome 3. Last evaluated: 2024-04-15. Review status: criteria provided, single submitter. Criteria: Invitae Variant Classification Sherloc (09022015). Collection method: clinical testing. Allele origin: germline.
Comment: This sequence change falls in intron 7 of the POT1 gene. It does not directly change the encoded amino acid sequence of the POT1 protein. It affects a nucleotide within the consensus splice site. This variant is not present in population databases (gnomAD no frequency). This variant has not been reported in the literature in individuals affected with POT1-related conditions. ClinVar contains an entry for this variant (Variation ID: 821472). Variants that disrupt the consensus splice site are a relatively common cause of aberrant splicing (PMID: 17576681, 9536098). Algorithms developed to predict the effect of sequence changes on RNA splicing suggest that this variant is not likely to affect RNA splicing. In summary, the available evidence is currently insufficient to determine the role of this variant in disease. Therefore, it has been classified as a Variant of Uncertain Significance.

Literature cited by the submitters: PubMed 17576681 (cited by Labcorp Genetics (formerly Invitae), Labcorp); PubMed 9536098 (cited by Labcorp Genetics (formerly Invitae), Labcorp).

NM_015450.3(POT1):c.255+5A>G

Gene: POT1 (protection of telomeres 1; minus strand). Cytogenetic location: 7q31.33.
Variant type: single nucleotide variant.
Coding change: c.255+5A>G on transcript NM_015450.3 (MANE Select); 5 bases into the intron after coding-DNA position 255, A replaced by G.
Molecular consequence: intron variant.
Genome position (GRCh38, 1-based): chr7:124,870,906, T>C on the plus strand (A>G on the coding strand, the complement: POT1 is on the minus strand). VCF-style: chr7-124870906-T-C. GRCh37 (hg19) VCF-style: chr7-124510960-T-C.
Other names: c.-138-7266A>G (NM_001042594.2).
Identifiers: ClinVar variation 821472 (VCV000821472.11), dbSNP rs1584777694, ClinGen allele CA915945506.